The following is an entry in ClinVar:

NM_016284.5(CNOT1):c.2477C>T (p.Pro826Leu)

Gene: CNOT1 (CCR4-NOT transcription complex subunit 1; minus strand). Cytogenetic location: 16q21.
Variant type: single nucleotide variant.
Coding change: c.2477C>T on transcript NM_016284.5 (MANE Select); coding-DNA position 2477, C replaced by T.
Protein change: p.Pro826Leu; replaces proline 826 with leucine.
Molecular consequence: missense variant. On other transcripts: intron variant (1).
Genome position (GRCh38, 1-based): chr16:58,556,849, G>A on the plus strand (C>T on the coding strand, the complement: CNOT1 is on the minus strand). VCF-style: chr16-58556849-G-A. GRCh37 (hg19) VCF-style: chr16-58590753-G-A.
Other names: c.2477C>T, p.Pro826Leu (NM_206999.3); c.2464+13C>T (NM_001265612.2); short protein forms P826L.
Identifiers: ClinVar variation 3026878 (VCV003026878.22), dbSNP rs2543964081, ClinGen allele CA396130851.
Genomic context (GRCh38, chr16:58,556,849, plus strand): 5'-TACAACTAAACATTTTTATCAGTCACACTTCACAATCACAGACAACACTACCACTTACAA[G>A]GTTTCATCTTACTCTGCTGGAATGTAGGCTGATTCAGTCCAGAGGTGCCCAGTTTCCTCT-3'
Protein context (NP_057368.3, residues 816-836): QPTFQQSKMK[Pro826Leu]SDLSQVWPEA

ClinVar aggregate classification (germline): Uncertain significance (1 of 4 stars; one submission).

Submission:

CeGaT Center for Human Genetics Tuebingen
Classification: Uncertain significance. Last evaluated: 2023-12-01. Review status: criteria provided, single submitter. Criteria: CeGaT Center For Human Genetics Tuebingen Variant Classification Criteria Version 2. Collection method: clinical testing. Allele origin: germline. Affected: yes. Observed: 1 variant allele.
Comment: CNOT1: PM2, PP2